The following is an entry in ClinVar:

NM_001197104.2(KMT2A):c.2944T>A (p.Ser982Thr)

Gene: KMT2A (lysine methyltransferase 2A; plus strand). Cytogenetic location: 11q23.3.
Variant type: single nucleotide variant.
Coding change: c.2944T>A on transcript NM_001197104.2 (MANE Select); coding-DNA position 2944, T replaced by A.
Protein change: p.Ser982Thr; replaces serine 982 with threonine.
Molecular consequence: missense variant.
Genome position (GRCh38, 1-based): chr11:118,474,103, T>A. VCF-style: chr11-118474103-T-A. GRCh37 (hg19) VCF-style: chr11-118344818-T-A.
Other names: c.3043T>A, p.Ser1015Thr (NM_001412597.1); c.2944T>A, p.Ser982Thr (NM_005933.4); short protein forms S982T, S1015T.
Identifiers: ClinVar variation 4709891 (VCV004709891.1).

ClinVar aggregate classification (germline): Uncertain significance (1 of 4 stars; one submission).

Submission:

Labcorp Genetics (formerly Invitae), Labcorp
Classification: Uncertain significance. Last evaluated: 2025-12-31. Review status: criteria provided, single submitter. Criteria: Invitae Variant Classification Sherloc (09022015). Collection method: clinical testing. Allele origin: germline.
Comment: This sequence change replaces serine, which is neutral and polar, with threonine, which is neutral and polar, at codon 982 of the KMT2A protein (p.Ser982Thr). This variant is not present in population databases (gnomAD no frequency). This missense change has been observed in individual(s) with autism spectrum disorder (PMID: 22495311, 28714951, 35982159, 35982160). Invitae Evidence Modeling of protein sequence and biophysical properties (such as structural, functional, and spatial information, amino acid conservation, physicochemical variation, residue mobility, and thermodynamic stability) indicates that this missense variant is not expected to disrupt KMT2A protein function with a negative predictive value of 95%. In summary, the available evidence is currently insufficient to determine the role of this variant in disease. Therefore, it has been classified as a Variant of Uncertain Significance.

Literature cited by the submitters: PubMed 22495311; PubMed 28714951; PubMed 35982159; PubMed 35982160.